The following is an entry in ClinVar:

ClinVar aggregate classification (germline): Uncertain significance (1 of 4 stars; one submission).

Conditions:
Autosomal recessive limb-girdle muscular dystrophy type R18 (LGMDR18). Also called: Limb-girdle muscular dystrophy, type 2S; MUSCULAR DYSTROPHY, LIMB-GIRDLE, AUTOSOMAL RECESSIVE 18; Autosomal recessive limb-girdle muscular dystrophy type 2S. Identifiers: Orphanet 369840, MedGen C4517996, MONDO:0014144, OMIM 615356.

Allele frequency attached by ClinVar (database versions not stated): gnomAD exomes below 0.00001; TOPMed 0.00001.
gnomAD v4.1: 1 of 1,613,914 alleles (0.000062%); highest among the groups gnomAD compares: Admixed American, 0.0017%; no homozygotes.

Submission:

Labcorp Genetics (formerly Invitae), Labcorp
Classification: Uncertain significance for Autosomal recessive limb-girdle muscular dystrophy type R18. Last evaluated: 2022-07-19. Review status: criteria provided, single submitter. Criteria: Invitae Variant Classification Sherloc (09022015). Collection method: clinical testing. Allele origin: germline.
Comment: This sequence change replaces cysteine, which is neutral and slightly polar, with tyrosine, which is neutral and polar, at codon 590 of the TRAPPC11 protein (p.Cys590Tyr). This variant is present in population databases (no rsID available, gnomAD 0.003%). This variant has not been reported in the literature in individuals affected with TRAPPC11-related conditions. ClinVar contains an entry for this variant (Variation ID: 1425320). Algorithms developed to predict the effect of missense changes on protein structure and function are either unavailable or do not agree on the potential impact of this missense change (SIFT: "Tolerated"; PolyPhen-2: "Possibly Damaging"; Align-GVGD: "Class C0"). In summary, the available evidence is currently insufficient to determine the role of this variant in disease. Therefore, it has been classified as a Variant of Uncertain Significance.

NM_021942.6(TRAPPC11):c.1769G>A (p.Cys590Tyr)

Gene: TRAPPC11 (trafficking protein particle complex subunit 11; plus strand). Cytogenetic location: 4q35.1.
Variant type: single nucleotide variant.
Coding change: c.1769G>A on transcript NM_021942.6 (MANE Select); coding-DNA position 1769, G replaced by A.
Protein change: p.Cys590Tyr; replaces cysteine 590 with tyrosine.
Molecular consequence: missense variant.
Genome position (GRCh38, 1-based): chr4:183,686,624, G>A. VCF-style: chr4-183686624-G-A. GRCh37 (hg19) VCF-style: chr4-184607777-G-A.
Other names: c.1769G>A, p.Cys590Tyr (NM_199053.3); short protein forms C590Y.
Identifiers: ClinVar variation 1425320 (VCV001425320.3), dbSNP rs1483395556, ClinGen allele CA358869565.
Genomic context (GRCh38, chr4:183,686,624, plus strand): 5'-GTGGGTCGTGGGTATCTGGTTGTGCATAACACAGCCCTTTTGTTTTATTTCTAGTGCAGT[G>A]CAAAGCCAAGTTTCATGCCCCAAGTTTTCATGTTGATGTTCCTGTTCAGTTTGATATTTA-3'
Protein context (NP_068761.4, residues 580-600): GVQDFVPFVQ[Cys590Tyr]KAKFHAPSFH